The following is an entry in ClinVar:

ClinVar aggregate classification (germline): Likely pathogenic. Review status: criteria provided, single submitter (1 of 4 stars). 2 submissions from 2 submitters: Likely pathogenic (1). 1 of the submissions does not count toward it. Last evaluated 2025-08-01.

Conditions:
Arthrogryposis Multiplex Congenita and Immunodeficiency.
ARTHROGRYPOSIS MULTIPLEX CONGENITA 9, WITH IMMUNODEFICIENCY (AMC9). Identifiers: MedGen CN382564, OMIM 621758.

Submissions (2):

Diagnostics Services (NGS), CSIR - Centre For Cellular And Molecular Biology
Classification: Likely pathogenic for Arthrogryposis Multiplex Congenita and Immunodeficiency. Last evaluated: 2025-08-01. Review status: criteria provided, single submitter. Criteria: ACMG Guidelines, 2015. Collection method: clinical testing. Allele origin: germline. Inheritance: Autosomal recessive inheritance. Affected: yes. Observed: 1 homozygote.
Comment: Biallelic loss-of-function variations in the SENP7 gene have been reported in literature to cause fatal arthrogryposis multiplex congenita, early respiratory failure and neutropenia [PMID:37460201]. This variant is not present in publicly available population databases like 1000 Genomes, EVS, ExAC, gnomAD, Indian Exome Database or our in-house exome database. This variant has neither been published in literature with SENP7-related conditions nor reported to the clinical databases like ClinVar, Human Genome Mutation Database (HGMD) or OMIM, in any affected individuals. In-silico pathogenicity prediction programs like SIFT, PolyPhen-2, MutationTaster2021, CADD etc predicted this variant to be likely deleterious, however these predictions were not confirmed by published functional studies. Our internal in-silico analysis suggest a deleterious effect of this variant on protein structure and function, however further experimental evidence is required to prove this. By considering PM2 (moderate), PP3 (moderate), PM1 (supporting) and PP4 (supporting) criteria of the ACMG guidelines, we classified this variant as likely pathogenic [Pal et al. Clinical Genetics, 2025].

OMIM
Classification: Pathogenic for ARTHROGRYPOSIS MULTIPLEX CONGENITA 9, WITH IMMUNODEFICIENCY. Last evaluated: 2026-11-02. Review status: no assertion criteria provided. Collection method: literature only. Allele origin: germline. Not counted in ClinVar's aggregate classification.

Literature cited by the submitters: DOI 10.1111/cge.70047 (cited by Diagnostics Services (NGS), CSIR - Centre For Cellular And Molecular Biology); PubMed 41177942 (cited by OMIM).

NM_020654.5(SENP7):c.3088C>T (p.Arg1030Trp)

Gene: SENP7 (SUMO specific peptidase 7; minus strand). Cytogenetic location: 3q12.3.
Variant type: single nucleotide variant.
Coding change: c.3088C>T on transcript NM_020654.5 (MANE Select); coding-DNA position 3088, C replaced by T.
Protein change: p.Arg1030Trp; replaces arginine 1030 with tryptophan.
Molecular consequence: missense variant.
Genome position (GRCh38, 1-based): chr3:101,326,008, G>A on the plus strand (C>T on the coding strand, the complement: SENP7 is on the minus strand). VCF-style: chr3-101326008-G-A. GRCh37 (hg19) VCF-style: chr3-101044852-G-A.
Other names: c.2893C>T, p.Arg965Trp (NM_001077203.3); c.2890C>T, p.Arg964Trp (NM_001282801.2); c.2989C>T, p.Arg997Trp (NM_001282802.2); c.2596C>T, p.Arg866Trp (NM_001282803.2); short protein forms R1030W, R866W, R964W, R965W, R997W.
Identifiers: ClinVar variation 3340479 (VCV003340479.3).
Genomic context (GRCh38, chr3:101,326,008, plus strand): 5'-TACTGCTGCCCTTCTGTTGCTGTAAATGAAGTTTCAAGATGAGCTCTCGAATATCTTCCC[G>A]TTTGGTCTTTATTACATGACGAGGAAACCACTTCTCCAAATGAATTGGAAGTTCAAAGTT-3'
Protein context (NP_065705.3, residues 1020-1040): WFPRHVIKTK[Arg1030Trp]EDIRELILKL